The following is an entry in ClinVar:

ClinVar aggregate classification (germline): Pathogenic (1 of 4 stars; one submission).

Conditions:
Salla disease (SD). Also called: Sialuria, Finnish type; N-acetylneuraminic acid (NANA) storage disease (NSD); Infantile sialic acid storage disorder (ISSD); Less Severe FSASD (Salla Disease). Identifiers: Orphanet 309334, Orphanet 834, MedGen C1096903, MONDO:0011449, OMIM 604369.

Submission:

Labcorp Genetics (formerly Invitae), Labcorp
Classification: Pathogenic for Salla disease. Last evaluated: 2021-07-02. Review status: criteria provided, single submitter. Criteria: Invitae Variant Classification Sherloc (09022015). Collection method: clinical testing. Allele origin: germline.
Comment: For these reasons, this variant has been classified as Pathogenic. This variant is a gross deletion of the genomic region encompassing exon(s) 2-11 of the SLC17A5 gene. The 5' boundary is likely confined to intron 1. The 3' end of this event is unknown as it extends through the termination codon beyond the assayed region for this gene and may encompass additional genes. While this deletion is not anticipated to lead to nonsense mediated decay, it is expected to alter mRNA translation or result in a truncated protein product. This variant has not been reported in the literature in individuals affected with SLC17A5-related conditions. This variant disrupts a region of the SLC17A5 protein in which other variant(s) (p.Ser268_Asn272del) have been determined to be pathogenic (PMID: 10581036, 12359136, 12794688, 15510212, 15805149). This suggests that this is a clinically significant region of the protein, and that variants that disrupt it are likely to be disease-causing.

Literature cited by the submitters: PubMed 10581036; PubMed 12359136; PubMed 12794688; PubMed 15510212; PubMed 15805149.

NC_000006.11:g.(?_74304790)_(74354336_?)del

Gene: SLC17A5 (solute carrier family 17 member 5; minus strand). Cytogenetic location: 6q13.
Variant type: Deletion.
Identifiers: ClinVar variation 1460030 (VCV001460030.4).